The following is an entry in ClinVar:

NM_000433.4(NCF2):c.526G>A (p.Val176Met)

Gene: NCF2 (neutrophil cytosolic factor 2; minus strand). Cytogenetic location: 1q25.3.
Variant type: single nucleotide variant.
Coding change: c.526G>A on transcript NM_000433.4 (MANE Select); coding-DNA position 526, G replaced by A.
Protein change: p.Val176Met; replaces valine 176 with methionine.
Molecular consequence: missense variant. On other transcripts: intron variant (2).
Genome position (GRCh38, 1-based): chr1:183,573,268, C>T on the plus strand (G>A on the coding strand, the complement: NCF2 is on the minus strand). VCF-style: chr1-183573268-C-T. GRCh37 (hg19) VCF-style: chr1-183542403-C-T.
Other names: c.526G>A, p.Val176Met (NM_001127651.3); c.391G>A, p.Val131Met (NM_001190794.2); c.501+1219G>A (NM_001410895.1); c.367-2429G>A (NM_001190789.2); short protein forms V176M, V131M.
Identifiers: ClinVar variation 3687615 (VCV003687615.2).

ClinVar aggregate classification (germline): Uncertain significance (1 of 4 stars; one submission).

Conditions:
Granulomatous disease, chronic, autosomal recessive, cytochrome b-positive, type 2. Also called: GRANULOMATOUS DISEASE, CHRONIC, AUTOSOMAL RECESSIVE, 2; Chronic granulomatous disease due to deficiency of NCF-2; Chronic Granulomatous Disease, Autosomal Recessive, Cytochrome b-Positive, Type II; GRANULOMATOUS DISEASE, CHRONIC, DUE TO NCF2 DEFICIENCY; CGD, AUTOSOMAL RECESSIVE CYTOCHROME b-POSITIVE, TYPE II. Identifiers: Orphanet 379, MedGen C1856245, MONDO:0009310, OMIM 233710.

gnomAD v4.1: 2 of 1,614,120 alleles (0.00012%); highest among the groups gnomAD compares: Non-Finnish European, 0.00017%; no homozygotes.

Submission:

Labcorp Genetics (formerly Invitae), Labcorp
Classification: Uncertain significance for Granulomatous disease, chronic, autosomal recessive, cytochrome b-positive, type 2. Last evaluated: 2024-02-10. Review status: criteria provided, single submitter. Criteria: Invitae Variant Classification Sherloc (09022015). Collection method: clinical testing. Allele origin: germline.
Comment: This sequence change replaces valine, which is neutral and non-polar, with methionine, which is neutral and non-polar, at codon 176 of the NCF2 protein (p.Val176Met). This variant is not present in population databases (gnomAD no frequency). This variant has not been reported in the literature in individuals affected with NCF2-related conditions. Advanced modeling of protein sequence and biophysical properties (such as structural, functional, and spatial information, amino acid conservation, physicochemical variation, residue mobility, and thermodynamic stability) performed at Invitae indicates that this missense variant is not expected to disrupt NCF2 protein function with a negative predictive value of 80%. In summary, the available evidence is currently insufficient to determine the role of this variant in disease. Therefore, it has been classified as a Variant of Uncertain Significance.